The following is an entry in ClinVar:

ClinVar aggregate classification (germline): Uncertain significance (1 of 4 stars; one submission).

Conditions:
Hereditary cancer-predisposing syndrome. Also called: Neoplastic Syndromes, Hereditary; Hereditary neoplastic syndrome; Tumor predisposition; Hereditary Cancer Syndrome. Identifiers: Orphanet 140162, MedGen C0027672, MeSH D009386, MONDO:0015356.

Submission:

Ambry Genetics
Classification: Uncertain significance for Hereditary cancer-predisposing syndrome. Last evaluated: 2022-12-12. Review status: criteria provided, single submitter. Criteria: Ambry Variant Classification Scheme 2023. Collection method: clinical testing. Allele origin: germline.
Comment: The p.G143V variant (also known as c.428G>T), located in coding exon 3 of the POLD1 gene, results from a G to T substitution at nucleotide position 428. The glycine at codon 143 is replaced by valine, an amino acid with dissimilar properties. This amino acid position is conserved. In addition, the in silico prediction for this alteration is inconclusive. Since supporting evidence is limited at this time, the clinical significance of this alteration remains unclear.

NM_002691.4(POLD1):c.428G>T (p.Gly143Val)

Gene: POLD1 (DNA polymerase delta 1, catalytic subunit; plus strand). Cytogenetic location: 19q13.33.
Variant type: single nucleotide variant.
Coding change: c.428G>T on transcript NM_002691.4 (MANE Select); coding-DNA position 428, G replaced by T.
Protein change: p.Gly143Val; replaces glycine 143 with valine.
Molecular consequence: missense variant. On other transcripts: non-coding transcript variant (1).
Genome position (GRCh38, 1-based): chr19:50,401,889, G>T. VCF-style: chr19-50401889-G-T. GRCh37 (hg19) VCF-style: chr19-50905146-G-T.
Other names: c.428G>T, p.Gly143Val (NM_001256849.1, NM_001308632.1); short protein forms G143V.
Identifiers: ClinVar variation 2496899 (VCV002496899.2), dbSNP rs1406566934, ClinGen allele CA406972633.
Genomic context (GRCh38, chr19:50,401,889, plus strand): 5'-CTGTGCTCCGCGCCTTCGGGGTCACCGATGAGGGGTTCTCTGTCTGCTGCCACATCCACG[G>T]CTTCGCTCCCTACTTCTACACCCCAGCGCCCCCTGGTGAGTGGCCCCTACCCAGCCCCTC-3'
Protein context (NP_002682.2, residues 133-153): EGFSVCCHIH[Gly143Val]FAPYFYTPAP